The following is an entry in ClinVar:

NM_002878.4(RAD51D):c.804G>T (p.Trp268Cys)

Genes: RAD51D (RAD51 paralog D; minus strand), RAD51L3-RFFL (RAD51L3-RFFL readthrough; minus strand). Cytogenetic location: 17q12.
Variant type: single nucleotide variant.
Coding change: c.804G>T on transcript NM_002878.4 (MANE Select); coding-DNA position 804, G replaced by T.
Protein change: p.Trp268Cys; replaces tryptophan 268 with cysteine.
Molecular consequence: missense variant. On other transcripts: non-coding transcript variant (3).
Genome position (GRCh38, 1-based): chr17:35,101,300, C>A on the plus strand (G>T on the coding strand, the complement: RAD51D is on the minus strand). VCF-style: chr17-35101300-C-A. GRCh37 (hg19) VCF-style: chr17-33428319-C-A.
Other names: c.864G>T, p.Trp288Cys (NM_001142571.2); c.468G>T, p.Trp156Cys (NM_133629.3); short protein forms W268C, W156C, W288C.
Identifiers: ClinVar variation 827417 (VCV000827417.10), dbSNP rs1597856016, ClinGen allele CA399086805.

ClinVar aggregate classification (germline): Uncertain significance. Review status: criteria provided, multiple submitters, no conflicts (2 of 4 stars). 4 submissions from 4 submitters: Uncertain significance (4). Last evaluated 2025-06-06.

Conditions:
Hereditary cancer-predisposing syndrome. Also called: Neoplastic Syndromes, Hereditary; Tumor predisposition; Hereditary neoplastic syndrome; Hereditary Cancer Syndrome. Identifiers: Orphanet 140162, MedGen C0027672, MeSH D009386, MONDO:0015356.
Breast-ovarian cancer, familial, susceptibility to, 4. Identifiers: Orphanet 145, MedGen C3280345, MONDO:0013669, OMIM 614291.

Allele frequency attached by ClinVar (database versions not stated): gnomAD exomes below 0.00001.
gnomAD v4.1: 1 of 1,614,138 alleles (0.000062%); highest among the groups gnomAD compares: Non-Finnish European, 0.000085%; no homozygotes.

Submissions (4):

Ambry Genetics
Classification: Uncertain significance for Hereditary cancer-predisposing syndrome. Last evaluated: 2025-06-06. Review status: criteria provided, single submitter. Criteria: Ambry Variant Classification Scheme 2023. Collection method: clinical testing. Allele origin: germline.
Comment: The p.W268C variant (also known as c.804G>T), located in coding exon 9 of the RAD51D gene, results from a G to T substitution at nucleotide position 804. The tryptophan at codon 268 is replaced by cysteine, an amino acid with highly dissimilar properties. This amino acid position is highly conserved in available vertebrate species. In addition, this alteration is predicted to be deleterious by in silico analysis. Since supporting evidence is limited at this time, the clinical significance of this alteration remains unclear.

Labcorp Genetics (formerly Invitae), Labcorp
Classification: Uncertain significance for Breast-ovarian cancer, familial, susceptibility to, 4. Last evaluated: 2024-07-30. Review status: criteria provided, single submitter. Criteria: Invitae Variant Classification Sherloc (09022015). Collection method: clinical testing. Allele origin: germline.
Comment: This sequence change replaces tryptophan, which is neutral and slightly polar, with cysteine, which is neutral and slightly polar, at codon 268 of the RAD51D protein (p.Trp268Cys). This variant is not present in population databases (gnomAD no frequency). This variant has not been reported in the literature in individuals affected with RAD51D-related conditions. ClinVar contains an entry for this variant (Variation ID: 827417). Advanced modeling of protein sequence and biophysical properties (such as structural, functional, and spatial information, amino acid conservation, physicochemical variation, residue mobility, and thermodynamic stability) has been performed at Invitae for this missense variant, however the output from this modeling did not meet the statistical confidence thresholds required to predict the impact of this variant on RAD51D protein function. In summary, the available evidence is currently insufficient to determine the role of this variant in disease. Therefore, it has been classified as a Variant of Uncertain Significance.

Color Diagnostics, LLC DBA Color Health
Classification: Uncertain significance for Hereditary cancer-predisposing syndrome. Last evaluated: 2024-03-06. Review status: criteria provided, single submitter. Criteria: ACMG Guidelines, 2015. Collection method: clinical testing. Allele origin: germline.
Comment: This missense variant replaces tryptophan with cysteine at codon 268 of the RAD51D protein. Computational prediction is inconclusive regarding the impact of this variant on protein structure and function (internally defined REVEL score threshold 0.5 < inconclusive < 0.7, PMID: 27666373). To our knowledge, functional studies have not been reported for this variant. This variant has not been reported in individuals affected with hereditary cancer in the literature. This variant has not been identified in the general population by the Genome Aggregation Database (gnomAD). The available evidence is insufficient to determine the role of this variant in disease conclusively. Therefore, this variant is classified as a Variant of Uncertain Significance.

Quest Diagnostics Nichols Institute San Juan Capistrano
Classification: Uncertain significance. Last evaluated: 2022-10-18. Review status: criteria provided, single submitter. Criteria: Quest Diagnostics criteria. Collection method: clinical testing. Allele origin: unknown.
Comment: The variant has not been reported in individuals with RAD51D-related conditions in the published literature. It also has not been reported in large, multi-ethnic general populations. Analysis of this variant using bioinformatics tools for the prediction of the effect of amino acid changes on protein structure and function yielded predictions that this variant is damaging. Based on the available information, we are unable to determine the clinical significance of this variant.